The following is an entry in ClinVar:

NM_002474.3(MYH11):c.1013_1015del (p.Phe338_Ser339delinsCys)

Gene: MYH11 (myosin heavy chain 11; minus strand). Cytogenetic location: 16p13.11.
Variant type: Deletion.
Coding change: c.1013_1015del on transcript NM_002474.3 (MANE Select); coding-DNA positions 1013 to 1015, 3 bases deleted (TCA; older notation c.1013_1015delTCA).
Protein change: p.Phe338_Ser339delinsCys.
Molecular consequence: inframe indel.
Genome position (GRCh38, 1-based): chr16:15,771,587-15,771,589, TGA deleted on the plus strand (TCA on the coding strand, the reverse complement: MYH11 is on the minus strand). VCF-style (leftmost placement, unchanged base first): chr16-15771586-CTGA-C. GRCh37 (hg19) VCF-style: chr16-15865443-CTGA-C.
Other names: c.1034_1036del, p.Phe345_Ser346delinsCys (NM_001040113.2, NM_001040114.2); c.1013_1015del, p.Phe338_Ser339delinsCys (NM_022844.3); c.1013_1015delTCA (NM_002474.2).
Identifiers: ClinVar variation 405463 (VCV000405463.8), dbSNP rs1060500722, ClinGen allele CA16614599.
Genomic context (GRCh38, chr16:15,771,586, plus strand): 5'-TATCCAGGCAAGCTACCCTCCAGACTCAAGGTGTGAGGCTTACATAGCTGCTCCTCCTCG[CTGA>C]AACCCATGATTGCCATGGCCTCCACGGTTTCCTGGAACATCTCATCATCCTGGGCTGCTG-3'

ClinVar aggregate classification (germline): Uncertain significance. Review status: criteria provided, multiple submitters, no conflicts (2 of 4 stars). 2 submissions from 2 submitters: Uncertain significance (2). Last evaluated 2024-10-25.

Conditions:
Familial thoracic aortic aneurysm and aortic dissection (TAAD). Also called: Thoracic aortic aneurysms and dissections. Identifiers: Orphanet 91387, MedGen C4707243, MONDO:0019625.
Aortic aneurysm, familial thoracic 4 (AAT4). Also called: AORTIC ANEURYSM/AORTIC DISSECTION AND PATENT DUCTUS ARTERIOSUS. Identifiers: MedGen C1851504, MONDO:0007568, OMIM 132900.

Allele frequency attached by ClinVar (database versions not stated): gnomAD exomes below 0.00001.

Submissions (2):

Ambry Genetics
Classification: Uncertain significance for Familial thoracic aortic aneurysm and aortic dissection. Last evaluated: 2024-10-25. Review status: criteria provided, single submitter. Criteria: Ambry Variant Classification Scheme 2023. Collection method: clinical testing. Allele origin: germline.
Comment: The c.1013_1015delTCA variant (also known as p.F338_S339delinsC), located in coding exon 8 of the MYH11 gene, results from an in-frame deletion of TCA at nucleotide positions c.1013 to c.1015. The phenylalanine and serine residues at codons 338 and 339, respectively, are replaced by a cysteine. These amino acid positions are not well conserved in available vertebrate species. In addition, this alteration is predicted to be deleterious by in silico analysis (Choi Y et al. PLoS ONE. 2012; 7(10):e46688). Based on the available evidence, the clinical significance of this variant remains unclear.

Labcorp Genetics (formerly Invitae), Labcorp
Classification: Uncertain significance for Aortic aneurysm, familial thoracic 4. Last evaluated: 2023-10-11. Review status: criteria provided, single submitter. Criteria: Invitae Variant Classification Sherloc (09022015). Collection method: clinical testing. Allele origin: germline.
Comment: This variant, c.1034_1036del, results in the deletion of 2 amino acid residues and the insertion of a cysteine residue in the MYH11 protein (p.Phe345_Ser346delinsCys), but otherwise preserves the integrity of the reading frame. This variant is present in population databases (no rsID available, gnomAD 0.0009%). This variant has not been reported in the literature in individuals affected with MYH11-related conditions. ClinVar contains an entry for this variant (Variation ID: 405463). Experimental studies and prediction algorithms are not available or were not evaluated, and the functional significance of this variant is currently unknown. In summary, the available evidence is currently insufficient to determine the role of this variant in disease. Therefore, it has been classified as a Variant of Uncertain Significance.